The following is an entry in ClinVar:

ClinVar aggregate classification (germline): Pathogenic/Likely pathogenic. Review status: criteria provided, multiple submitters, no conflicts (2 of 4 stars). 2 submissions from 2 submitters: Pathogenic (1); Likely pathogenic (1). Last evaluated 2025-06-01.

Conditions:
Mucopolysaccharidosis, MPS-III-A (MPS3A). Also called: HEPARAN SULFATE SULFATASE DEFICIENCY; SANFILIPPO SYNDROME A; SULFAMIDASE DEFICIENCY; MPS III A; Mucopolysaccharidosis type IIIA (Sanfilippo A); MUCOPOLYSACCHARIDOSIS, TYPE IIIA, ATTENUATED. Identifiers: Orphanet 581, Orphanet 79269, MedGen C0086647, MONDO:0009655, OMIM 252900.

gnomAD v4.1: 1 of 1,614,006 alleles (0.000062%); highest among the groups gnomAD compares: African/African-American, 0.0013%; no homozygotes.

Submissions (2):

Labcorp Genetics (formerly Invitae), Labcorp
Classification: Pathogenic for Mucopolysaccharidosis, MPS-III-A. Last evaluated: 2025-06-01. Review status: criteria provided, single submitter. Criteria: Invitae Variant Classification Sherloc (09022015). Collection method: clinical testing. Allele origin: germline.
Comment: This sequence change creates a premature translational stop signal (p.Tyr439*) in the SGSH gene. While this is not anticipated to result in nonsense mediated decay, it is expected to disrupt the last 64 amino acid(s) of the SGSH protein. This variant is present in population databases (no rsID available, gnomAD 0.007%). This variant has not been reported in the literature in individuals affected with SGSH-related conditions. ClinVar contains an entry for this variant (Variation ID: 2678715). This variant disrupts a region of the SGSH protein in which other variant(s) (p.Asp477Glu) have been determined to be pathogenic (PMID: 21204211; internal data). This suggests that this is a clinically significant region of the protein, and that variants that disrupt it are likely to be disease-causing. For these reasons, this variant has been classified as Pathogenic.

Baylor Genetics
Classification: Likely pathogenic for Mucopolysaccharidosis, MPS-III-A. Last evaluated: 2023-10-18. Review status: criteria provided, single submitter. Criteria: ACMG Guidelines, 2015. Collection method: clinical testing. Allele origin: unknown.

Literature cited by the submitters: PubMed 21204211 (cited by Labcorp Genetics (formerly Invitae), Labcorp).

NM_000199.5(SGSH):c.1317C>A (p.Tyr439Ter)

Gene: SGSH (N-sulfoglucosamine sulfohydrolase; minus strand). Cytogenetic location: 17q25.3.
Variant type: single nucleotide variant.
Coding change: c.1317C>A on transcript NM_000199.5 (MANE Select); coding-DNA position 1317, C replaced by A.
Protein change: p.Tyr439Ter; replaces tyrosine 439 with a stop codon.
Molecular consequence: nonsense. On other transcripts: 3 prime UTR variant (2), non-coding transcript variant (1).
Genome position (GRCh38, 1-based): chr17:80,210,644, G>T on the plus strand (C>A on the coding strand, the complement: SGSH is on the minus strand). VCF-style: chr17-80210644-G-T. GRCh37 (hg19) VCF-style: chr17-78184443-G-T.
Other names: c.*404C>A (NM_001352921.3); c.*367C>A (NM_001352922.2); short protein forms Y439*.
Identifiers: ClinVar variation 2678715 (VCV002678715.2), dbSNP rs146522699, ClinGen allele CA401358686.